The following is an entry in ClinVar:

ClinVar aggregate classification (germline): Uncertain significance (1 of 4 stars; one submission).

Conditions:
Chuvash polycythemia. Also called: POLYCYTHEMIA, VHL-DEPENDENT. Identifiers: Orphanet 238557, MedGen C1837915, MONDO:0009892, OMIM 263400.
Von Hippel-Lindau syndrome (VHLS). Also called: von Hippel–Lindau syndrome; VHL syndrome; Von Hippel-Lindau. Identifiers: Orphanet 892, MedGen C0019562, MONDO:0008667, OMIM 193300. Disease mechanism: loss of function.

Submission:

Labcorp Genetics (formerly Invitae), Labcorp
Classification: Uncertain significance for Von Hippel-Lindau syndrome; Chuvash polycythemia. Last evaluated: 2026-01-12. Review status: criteria provided, single submitter. Criteria: Invitae Variant Classification Sherloc (09022015). Collection method: clinical testing. Allele origin: germline.
Comment: This sequence change replaces asparagine, which is neutral and polar, with aspartic acid, which is acidic and polar, at codon 67 of the VHL protein (p.Asn67Asp). This variant is not present in population databases (gnomAD no frequency). This variant has not been reported in the literature in individuals affected with VHL-related conditions. Invitae Evidence Modeling of protein sequence and biophysical properties (such as structural, functional, and spatial information, amino acid conservation, physicochemical variation, residue mobility, and thermodynamic stability) indicates that this missense variant is expected to disrupt VHL protein function with a positive predictive value of 95%. In summary, the available evidence is currently insufficient to determine the role of this variant in disease. Therefore, it has been classified as a Variant of Uncertain Significance.

NM_000551.4(VHL):c.199A>G (p.Asn67Asp)

Gene: VHL (von Hippel-Lindau tumor suppressor; plus strand). Cytogenetic location: 3p25.3.
Variant type: single nucleotide variant.
Coding change: c.199A>G on transcript NM_000551.4 (MANE Select); coding-DNA position 199, A replaced by G.
Protein change: p.Asn67Asp; replaces asparagine 67 with aspartic acid.
Molecular consequence: missense variant. On other transcripts: non-coding transcript variant (1).
Genome position (GRCh38, 1-based): chr3:10,142,046, A>G. VCF-style: chr3-10142046-A-G. GRCh37 (hg19) VCF-style: chr3-10183730-A-G.
Other names: c.199A>G, p.Asn67Asp (NM_001354723.2, NM_198156.3); short protein forms N67D.
Identifiers: ClinVar variation 4789508 (VCV004789508.1).